The following is an entry in ClinVar:

ClinVar aggregate classification (germline): Uncertain significance (1 of 4 stars; one submission).

Allele frequency attached by ClinVar (database versions not stated): gnomAD exomes below 0.00001.
gnomAD v4.1: 2 of 1,610,812 alleles (0.00012%); highest among the groups gnomAD compares: Non-Finnish European, 0.00017%; no homozygotes.

Submission:

Labcorp Genetics (formerly Invitae), Labcorp
Classification: Uncertain significance. Last evaluated: 2022-07-28. Review status: criteria provided, single submitter. Criteria: Invitae Variant Classification Sherloc (09022015). Collection method: clinical testing. Allele origin: germline.
Comment: This variant is not present in population databases (gnomAD no frequency). This sequence change replaces lysine, which is basic and polar, with glutamic acid, which is acidic and polar, at codon 1409 of the NUP205 protein (p.Lys1409Glu). In summary, the available evidence is currently insufficient to determine the role of this variant in disease. Therefore, it has been classified as a Variant of Uncertain Significance. Algorithms developed to predict the effect of missense changes on protein structure and function (SIFT, PolyPhen-2, Align-GVGD) all suggest that this variant is likely to be tolerated. This variant has not been reported in the literature in individuals affected with NUP205-related conditions.

NM_015135.3(NUP205):c.4225A>G (p.Lys1409Glu)

Gene: NUP205 (nucleoporin 205; plus strand). Cytogenetic location: 7q33.
Variant type: single nucleotide variant.
Coding change: c.4225A>G on transcript NM_015135.3 (MANE Select); coding-DNA position 4225, A replaced by G.
Protein change: p.Lys1409Glu; replaces lysine 1409 with glutamic acid.
Molecular consequence: missense variant.
Genome position (GRCh38, 1-based): chr7:135,619,684, A>G. VCF-style: chr7-135619684-A-G. GRCh37 (hg19) VCF-style: chr7-135304432-A-G.
Other names: c.3151A>G, p.Lys1051Glu (NM_001329434.2); short protein forms K1409E, K1051E.
Identifiers: ClinVar variation 1948327 (VCV001948327.5), dbSNP rs2486185176, ClinGen allele CA369354662.